The following is an entry in ClinVar:

ClinVar aggregate classification (germline): Uncertain significance (1 of 4 stars; one submission).

Allele frequency attached by ClinVar (database versions not stated): gnomAD 0.00001; gnomAD exomes 0.00001; TOPMed 0.00001; ExAC 0.00002.

Submission:

Labcorp Genetics (formerly Invitae), Labcorp
Classification: Uncertain significance. Last evaluated: 2023-11-12. Review status: criteria provided, single submitter. Criteria: Invitae Variant Classification Sherloc (09022015). Collection method: clinical testing. Allele origin: germline.
Comment: This sequence change replaces arginine, which is basic and polar, with histidine, which is basic and polar, at codon 262 of the KCNK4 protein (p.Arg262His). This variant is present in population databases (rs769098050, gnomAD 0.005%). This variant has not been reported in the literature in individuals affected with KCNK4-related conditions. An algorithm developed to predict the effect of missense changes on protein structure and function (PolyPhen-2) suggests that this variant is likely to be disruptive. In summary, the available evidence is currently insufficient to determine the role of this variant in disease. Therefore, it has been classified as a Variant of Uncertain Significance.

NM_033310.3(KCNK4):c.785G>A (p.Arg262His)

Genes: KCNK4 (potassium two pore domain channel subfamily K member 4; plus strand), KCNK4-CATSPERZ (KCNK4-CATSPERZ readthrough (NMD candidate); plus strand). Cytogenetic location: 11q13.1.
Variant type: single nucleotide variant.
Coding change: c.785G>A on transcript NM_033310.3 (MANE Select); coding-DNA position 785, G replaced by A.
Protein change: p.Arg262His; replaces arginine 262 with histidine.
Molecular consequence: missense variant. On other transcripts: non-coding transcript variant (3).
Genome position (GRCh38, 1-based): chr11:64,298,233, G>A. VCF-style: chr11-64298233-G-A. GRCh37 (hg19) VCF-style: chr11-64065705-G-A.
Other names: c.785G>A, p.Arg262His (NM_001317090.2, NM_033311.1); short protein forms R262H.
Identifiers: ClinVar variation 2901193 (VCV002901193.3), dbSNP rs769098050, ClinGen allele CA6073168.